The following is an entry in ClinVar:

ClinVar aggregate classification (germline): Likely pathogenic (0 of 4 stars; one submission).

Conditions:
Dilated cardiomyopathy 1G (CMD1G). Identifiers: Orphanet 154, MedGen C1858763, MONDO:0011400, OMIM 604145.

Submission:

Diagnostics Centre, Carl Von Ossietzky University Oldenburg
Classification: Likely pathogenic for Dilated cardiomyopathy 1G. Last evaluated: 2024-11-15. Review status: no assertion criteria provided. Collection method: clinical testing. Allele origin: germline. Affected: yes. Observed: 1 variant allele.
Comment: The variant TTN:c.69539_69548del p.(Glu23180AlafsTer5) results from a deletion at nucleotide position c.69539_69548. This leads to a frameshift at protein position 23180 and the formation of a premature stop codon after five amino acids. The variant affects an exon [325/363] present in biologically relevant transcript and is predicted to cause protein truncation/absent due to nonsense mediated decay. The variant has not yet been described in ClinVar or any other scientific publication known to us. The variant is classified as very rare since it is absent in gnomAD v4.1.0. In summary, this variant is classified as likely pathogenic.

NM_001267550.2(TTN):c.69539_69548del (p.Glu23180fs)

Genes: TTN (titin; minus strand), TTN-AS1 (TTN antisense RNA 1; plus strand). Cytogenetic location: 2q31.2.
Variant type: Deletion.
Coding change: c.69539_69548del on transcript NM_001267550.2 (MANE Select); coding-DNA positions 69539 to 69548, 10 bases deleted (AAAAGAAAAG; older notation c.69539_69548delAAAAGAAAAG).
Protein change: p.Glu23180fs; shifts the reading frame from glutamic acid 23180.
Molecular consequence: frameshift variant.
Genome position (GRCh38, 1-based): chr2:178,576,696-178,576,705, CTTTTCTTTT deleted on the plus strand (AAAAGAAAAG on the coding strand, the reverse complement: TTN is on the minus strand); deleting any 10 consecutive bases within chr2:178,576,696-178,576,707 gives the same sequence; the c. name uses the placement nearest the transcript's 3' end. VCF-style (leftmost placement, unchanged base first): chr2-178576695-GCTTTTCTTTT-G. GRCh37 (hg19) VCF-style: chr2-179441422-GCTTTTCTTTT-G.
Other names: c.64616_64625del, p.Glu21539fs (NM_001256850.1); c.42344_42353del, p.Glu14115fs (NM_003319.4); c.61835_61844del, p.Glu20612fs (NM_133378.4); c.42719_42728del, p.Glu14240fs (NM_133432.3); c.42920_42929del, p.Glu14307fs (NM_133437.4); short protein forms E14115fs, E14240fs, E14307fs, E20612fs, E21539fs, E23180fs.
Identifiers: ClinVar variation 4530648 (VCV004530648.1).